The following is an entry in ClinVar:

ClinVar aggregate classification (germline): Likely pathogenic (1 of 4 stars; one submission).

Conditions:
Hereditary cancer-predisposing syndrome. Also called: Hereditary Cancer Syndrome; Tumor predisposition; Hereditary neoplastic syndrome; Neoplastic Syndromes, Hereditary. Identifiers: Orphanet 140162, MedGen C0027672, MeSH D009386, MONDO:0015356.

Submission:

Ambry Genetics
Classification: Likely pathogenic for Hereditary cancer-predisposing syndrome. Last evaluated: 2024-11-12. Review status: criteria provided, single submitter. Criteria: Ambry Variant Classification Scheme 2023. Collection method: clinical testing. Allele origin: germline.
Comment: The c.913-2A>C intronic variant results from an A to C substitution two nucleotides upstream from coding exon 6 in the MEN1 gene. This nucleotide position is poorly conserved in available vertebrate species. In silico splice site analysis predicts that this alteration will weaken the native splice acceptor site and will result in the creation or strengthening of a novel splice acceptor site; however, direct evidence is insufficient at this time (Ambry internal data). This variant is considered to be rare based on population cohorts in the Genome Aggregation Database (gnomAD). Alterations that disrupt the canonical splice site are expected to cause aberrant splicing, resulting in an abnormal protein or a transcript that is subject to nonsense-mediated mRNA decay. As such, this alteration is classified as likely pathogenic.

NM_001370259.2(MEN1):c.913-2A>C

Gene: MEN1 (menin 1; minus strand). Cytogenetic location: 11q13.1.
Variant type: single nucleotide variant.
Coding change: c.913-2A>C on transcript NM_001370259.2 (MANE Select); the canonical splice acceptor site of the intron before coding-DNA position 913, A replaced by C.
Molecular consequence: splice acceptor variant.
Genome position (GRCh38, 1-based): chr11:64,806,370, T>G on the plus strand (A>C on the coding strand, the complement: MEN1 is on the minus strand). VCF-style: chr11-64806370-T-G. GRCh37 (hg19) VCF-style: chr11-64573842-T-G.
Other names: c.808-2A>C (NM_001370263.2, NM_001407148.1, NM_001407149.1 and 2 more transcripts); c.913-2A>C (NM_001407152.1, NM_130799.3, NM_001407144.1 and 7 more transcripts); c.928-2A>C (NM_130804.3, NM_130803.3, NM_000244.4 and 5 more transcripts).
Identifiers: ClinVar variation 3394988 (VCV003394988.1).